The following is an entry in ClinVar:

ClinVar aggregate classification (germline): Uncertain significance (1 of 4 stars; one submission).

Conditions:
Developmental and epileptic encephalopathy, 30 (DEE30). Also called: Epileptic encephalopathy, early infantile, 30. Identifiers: MedGen C4225360, MONDO:0014595, OMIM 616341.

Submission:

Labcorp Genetics (formerly Invitae), Labcorp
Classification: Uncertain significance for Developmental and epileptic encephalopathy, 30. Last evaluated: 2024-02-28. Review status: criteria provided, single submitter. Criteria: Invitae Variant Classification Sherloc (09022015). Collection method: clinical testing. Allele origin: germline.
Comment: This sequence change falls in intron 9 of the SIK1 gene. It does not directly change the encoded amino acid sequence of the SIK1 protein. It affects a nucleotide within the consensus splice site. This variant is not present in population databases (gnomAD no frequency). This variant has not been reported in the literature in individuals affected with SIK1-related conditions. Variants that disrupt the consensus splice site are a relatively common cause of aberrant splicing (PMID: 17576681, 9536098). Algorithms developed to predict the effect of sequence changes on RNA splicing suggest that this variant is not likely to affect RNA splicing. In summary, the available evidence is currently insufficient to determine the role of this variant in disease. Therefore, it has been classified as a Variant of Uncertain Significance.

Literature cited by the submitters: PubMed 17576681; PubMed 9536098.

NM_173354.5(SIK1):c.1119+6G>A

Gene: SIK1 (salt inducible kinase 1; minus strand). Cytogenetic location: 21q22.3.
Variant type: single nucleotide variant.
Coding change: c.1119+6G>A on transcript NM_173354.5 (MANE Select); 6 bases into the intron after coding-DNA position 1119, G replaced by A.
Molecular consequence: intron variant.
Genome position (GRCh38, 1-based): chr21:43,419,853, C>T on the plus strand (G>A on the coding strand, the complement: SIK1 is on the minus strand). VCF-style: chr21-43419853-C-T. GRCh37 (hg19) VCF-style: chr21-44839733-C-T.
Identifiers: ClinVar variation 2875480 (VCV002875480.3), dbSNP rs2081049173, ClinGen allele CA2739267698.